The following is an entry in ClinVar:

NM_001022.4(RPS19):c.53T>C (p.Leu18Pro)

Genes: RPS19 (ribosomal protein S19; plus strand), RPS19-CD79A (RPS19-CD79A readthrough; plus strand). Cytogenetic location: 19q13.2.
Variant type: single nucleotide variant.
Coding change: c.53T>C on transcript NM_001022.4 (MANE Select); coding-DNA position 53, T replaced by C.
Protein change: p.Leu18Pro; replaces leucine 18 with proline.
Molecular consequence: missense variant.
Genome position (GRCh38, 1-based): chr19:41,860,827, T>C. VCF-style: chr19-41860827-T-C. GRCh37 (hg19) VCF-style: chr19-42364897-T-C.
Other names: c.53T>C, p.Leu18Pro (NM_001321483.2, NM_001321484.2, NM_001321485.2); short protein forms L18P.
Identifiers: ClinVar variation 1006194 (VCV001006194.7), dbSNP rs2074021310, ClinGen allele CA406046323.

ClinVar aggregate classification (germline): Pathogenic (1 of 4 stars; one submission).

Conditions:
Diamond-Blackfan anemia. Also called: Aase syndrome; Blackfan Diamond syndrome; Aregenerative anemia chronic congenital; Red cell aplasia, pure hereditary; Congenital hypoplastic anemia. Identifiers: Orphanet 124, MedGen C1260899, MeSH D029503, MONDO:0015253, HP:0004810.

Submission:

Labcorp Genetics (formerly Invitae), Labcorp
Classification: Pathogenic for Diamond-Blackfan anemia. Last evaluated: 2026-01-25. Review status: criteria provided, single submitter. Criteria: Invitae Variant Classification Sherloc (09022015). Collection method: clinical testing. Allele origin: germline.
Comment: This sequence change replaces leucine, which is neutral and non-polar, with proline, which is neutral and non-polar, at codon 18 of the RPS19 protein (p.Leu18Pro). This variant is not present in population databases (gnomAD no frequency). This missense change has been observed in individual(s) with Diamond-Blackfan anemia (PMID: 11112378; internal data). In at least one individual the variant was observed to be de novo. ClinVar contains an entry for this variant (Variation ID: 1006194). An algorithm developed to predict the effect of missense changes on protein structure and function (PolyPhen-2) suggests that this variant is likely to be disruptive. Experimental studies have shown that this missense change affects RPS19 function (PMID: 17517689). For these reasons, this variant has been classified as Pathogenic.

Literature cited by the submitters: PubMed 11112378; PubMed 17517689.